The following is an entry in ClinVar:

NM_032888.4(COL27A1):c.1962+1G>A

Gene: COL27A1 (collagen type XXVII alpha 1 chain; plus strand). Cytogenetic location: 9q32.
Variant type: single nucleotide variant.
Coding change: c.1962+1G>A on transcript NM_032888.4 (MANE Select); the canonical splice donor site of the intron after coding-DNA position 1962, G replaced by A.
Molecular consequence: splice donor variant.
Genome position (GRCh38, 1-based): chr9:114,178,345, G>A. VCF-style: chr9-114178345-G-A. GRCh37 (hg19) VCF-style: chr9-116940625-G-A.
Identifiers: ClinVar variation 1482388 (VCV001482388.8), dbSNP rs1387536593, ClinGen allele CA374597661.

ClinVar aggregate classification (germline): Likely pathogenic (1 of 4 stars; one submission).

Allele frequency attached by ClinVar (database versions not stated): gnomAD 0.00001; gnomAD exomes below 0.00001 and 0.00001; TOPMed below 0.00001.
gnomAD v4.1: 13 of 1,613,810 alleles (0.00081%); highest among the groups gnomAD compares: Non-Finnish European, 0.0011%; no homozygotes.

Submission:

Labcorp Genetics (formerly Invitae), Labcorp
Classification: Likely pathogenic. Last evaluated: 2025-03-17. Review status: criteria provided, single submitter. Criteria: Invitae Variant Classification Sherloc (09022015). Collection method: clinical testing. Allele origin: germline.
Comment: This sequence change affects a donor splice site in intron 4 of the COL27A1 gene. It is expected to disrupt RNA splicing. Variants that disrupt the donor or acceptor splice site typically lead to a loss of protein function (PMID: 16199547), and loss-of-function variants in COL27A1 are known to be pathogenic (PMID: 24986830, 28276056). This variant is present in population databases (no rsID available, gnomAD 0.0009%). This variant has not been reported in the literature in individuals affected with COL27A1-related conditions. ClinVar contains an entry for this variant (Variation ID: 1482388). Algorithms developed to predict the effect of sequence changes on RNA splicing suggest that this variant may disrupt the consensus splice site. In summary, the currently available evidence indicates that the variant is pathogenic, but additional data are needed to prove that conclusively. Therefore, this variant has been classified as Likely Pathogenic.

Literature cited by the submitters: PubMed 16199547; PubMed 24986830; PubMed 28276056.